The following is an entry in ClinVar:

ClinVar aggregate classification (germline): Uncertain significance (1 of 4 stars; one submission).

Conditions:
Inborn genetic diseases. Identifiers: MedGen C0950123, MeSH D030342.

Submission:

Ambry Genetics
Classification: Uncertain significance for Inborn genetic diseases. Last evaluated: 2025-08-20. Review status: criteria provided, single submitter. Criteria: Ambry Variant Classification Scheme 2023. Collection method: clinical testing. Allele origin: germline.
Comment: The p.P58A variant (also known as c.172C>G), located in coding exon 3 of the ETV6 gene, results from a C to G substitution at nucleotide position 172. The proline at codon 58 is replaced by alanine, an amino acid with highly similar properties. This amino acid position is conserved. In addition, this alteration is predicted to be deleterious by in silico analysis. Based on the available evidence, the clinical significance of this variant remains unclear.

NM_001987.5(ETV6):c.172C>G (p.Pro58Ala)

Genes: ETV6 (ETS variant transcription factor 6; plus strand), LOC126861451 (BRD4-independent group 4 enhancer GRCh37_chr12:11991350-11992549; plus strand). Cytogenetic location: 12p13.2.
Variant type: single nucleotide variant.
Coding change: c.172C>G on transcript NM_001987.5 (MANE Select); coding-DNA position 172, C replaced by G.
Protein change: p.Pro58Ala; replaces proline 58 with alanine.
Molecular consequence: missense variant. On other transcripts: 5 prime UTR variant (1).
Genome position (GRCh38, 1-based): chr12:11,839,148, C>G. VCF-style: chr12-11839148-C-G. GRCh37 (hg19) VCF-style: chr12-11992082-C-G.
Other names: c.169C>G, p.Pro57Ala (NM_001413913.1); c.145C>G, p.Pro49Ala (NM_001413914.1); c.-93C>G (NM_001413915.1); c.172C>G, p.Pro58Ala (NM_001413916.1, NM_001413917.1, NM_001413918.1); short protein forms P49A, P57A, P58A.
Identifiers: ClinVar variation 4251482 (VCV004251482.1).
Genomic context (GRCh38, chr12:11,839,148, plus strand): 5'-TAACTGACAAGACCTTTCTCTCTTTCTTTCTGCCTCATGCTCTCTCCAACAGGCTTGCAG[C>G]CAATTTACTGGAGCAGGGATGACGTAGCCCAGTGGCTCAAGTGGGCTGAAAATGAGTTTT-3'
Protein context (NP_001978.1, residues 48-68): IRLPAHLRLQ[Pro58Ala]IYWSRDDVAQ